The following is an entry in ClinVar:

ClinVar aggregate classification (germline): Uncertain significance (1 of 4 stars; one submission).

Conditions:
Autosomal dominant nonsyndromic hearing loss 66. Also called: Deafness, autosomal dominant 66. Identifiers: Orphanet 90635, MedGen C4283893, MONDO:0014854, OMIM 616969.

Submission:

Juno Genomics, Hangzhou Juno Genomics, Inc
Classification: Uncertain significance for Autosomal dominant nonsyndromic hearing loss 66. Review status: criteria provided, single submitter. Criteria: ACMG Guidelines, 2015. Collection method: clinical testing. Allele origin: germline.
Comment: Absent from controls (or at extremely low frequency if recessive) in Genome Aggregation Database.

NM_006016.6(CD164):c.1A>G (p.Met1Val)

Gene: CD164 (CD164 molecule; minus strand). Cytogenetic location: 6q21.
Variant type: single nucleotide variant.
Coding change: c.1A>G on transcript NM_006016.6 (MANE Select); coding-DNA position 1, A replaced by G.
Protein change: p.Met1Val; changes the start codon (methionine 1).
Molecular consequence: missense variant, initiator codon variant.
Genome position (GRCh38, 1-based): chr6:109,382,378, T>C on the plus strand (A>G on the coding strand, the complement: CD164 is on the minus strand). VCF-style: chr6-109382378-T-C. GRCh37 (hg19) VCF-style: chr6-109703581-T-C.
Other names: c.1A>G, p.Met1Val (NM_001142401.3, NM_001142402.3, NM_001142403.3 and 1 more transcripts); short protein forms M1V.
Identifiers: ClinVar variation 5006953 (VCV005006953.2).